The following is an entry in ClinVar:

NM_020999.4(NEUROG3):c.514C>A (p.Leu172Ile)

Gene: NEUROG3 (neurogenin 3; minus strand). Cytogenetic location: 10q22.1.
Variant type: single nucleotide variant.
Coding change: c.514C>A on transcript NM_020999.4 (MANE Select); coding-DNA position 514, C replaced by A.
Protein change: p.Leu172Ile; replaces leucine 172 with isoleucine.
Molecular consequence: missense variant.
Genome position (GRCh38, 1-based): chr10:69,572,530, G>T on the plus strand (C>A on the coding strand, the complement: NEUROG3 is on the minus strand). VCF-style: chr10-69572530-G-T. GRCh37 (hg19) VCF-style: chr10-71332286-G-T.
Other names: short protein forms L172I.
Identifiers: ClinVar variation 1444376 (VCV001444376.6), dbSNP rs777867260, ClinGen allele CA376921660.

ClinVar aggregate classification (germline): Uncertain significance (1 of 4 stars; one submission).

Submission:

Labcorp Genetics (formerly Invitae), Labcorp
Classification: Uncertain significance. Last evaluated: 2025-07-07. Review status: criteria provided, single submitter. Criteria: Invitae Variant Classification Sherloc (09022015). Collection method: clinical testing. Allele origin: germline.
Comment: This sequence change replaces leucine, which is neutral and non-polar, with isoleucine, which is neutral and non-polar, at codon 172 of the NEUROG3 protein (p.Leu172Ile). This variant is not present in population databases (gnomAD no frequency). This variant has not been reported in the literature in individuals affected with NEUROG3-related conditions. ClinVar contains an entry for this variant (Variation ID: 1444376). An algorithm developed to predict the effect of missense changes on protein structure and function outputs the following: PolyPhen-2: "Benign". The isoleucine amino acid residue is found in multiple mammalian species, which suggests that this missense change does not adversely affect protein function. In summary, the available evidence is currently insufficient to determine the role of this variant in disease. Therefore, it has been classified as a Variant of Uncertain Significance.